The following is an entry in ClinVar:

ClinVar aggregate classification (germline): Uncertain significance (1 of 4 stars; one submission).

gnomAD v4.1: 1 of 1,203,438 alleles (0.000083%); highest among the groups gnomAD compares: Admixed American, 0.0022%; no homozygotes.

Submission:

GeneDx
Classification: Uncertain significance. Last evaluated: 2026-02-07. Review status: criteria provided, single submitter. Criteria: GeneDx Variant Classification Process June 2021. Collection method: clinical testing. Allele origin: germline.
Comment: Not observed at significant frequency in large population cohorts (gnomAD); Missense variants in this gene are a common cause of disease and they are underrepresented in the general population; In silico analysis suggests that this missense variant does not alter protein structure/function; Has not been previously published as pathogenic or benign to our knowledge

NM_003334.4(UBA1):c.527G>C (p.Gly176Ala)

Gene: UBA1 (ubiquitin like modifier activating enzyme 1; plus strand). Cytogenetic location: Xp11.3.
Variant type: single nucleotide variant.
Coding change: c.527G>C on transcript NM_003334.4 (MANE Select); coding-DNA position 527, G replaced by C.
Protein change: p.Gly176Ala; replaces glycine 176 with alanine.
Molecular consequence: missense variant.
Genome position (GRCh38, 1-based): chrX:47,200,940, G>C. VCF-style: chrX-47200940-G-C. GRCh37 (hg19) VCF-style: chrX-47060339-G-C.
Other names: c.569G>C, p.Gly190Ala (NM_001440807.1); c.545G>C, p.Gly182Ala (NM_001440809.1, NM_001440810.1); c.527G>C, p.Gly176Ala (NM_001440811.1, NM_001440812.1, NM_153280.3); short protein forms G176A, G182A, G190A.
Identifiers: ClinVar variation 4976285 (VCV004976285.1).